The following is an entry in ClinVar:

ClinVar aggregate classification (germline): Pathogenic/Likely pathogenic. Review status: criteria provided, multiple submitters, no conflicts (2 of 4 stars). 2 submissions from 2 submitters: Pathogenic (1); Likely pathogenic (1). Last evaluated 2023-05-30.

Conditions:
Wilson disease (WND). Also called: Wilson's disease. Identifiers: Orphanet 905, MedGen C0019202, MONDO:0010200, OMIM 277900. Disease mechanism: loss of function.

Allele frequency attached by ClinVar (database versions not stated): gnomAD exomes below 0.00001.
gnomAD v4.1: 1 of 1,612,928 alleles (0.000062%); highest among the groups gnomAD compares: African/African-American, 0.0013%; no homozygotes.

Submissions (2):

Baylor Genetics
Classification: Likely pathogenic for Wilson disease. Last evaluated: 2023-05-30. Review status: criteria provided, single submitter. Criteria: ACMG Guidelines, 2015. Collection method: clinical testing. Allele origin: unknown.

Labcorp Genetics (formerly Invitae), Labcorp
Classification: Pathogenic for Wilson disease. Last evaluated: 2023-03-15. Review status: criteria provided, single submitter. Criteria: Invitae Variant Classification Sherloc (09022015). Collection method: clinical testing. Allele origin: germline.
Comment: For these reasons, this variant has been classified as Pathogenic. This variant disrupts a region of the ATP7B protein in which other variant(s) (p.Arg1459Glyfs*2) have been determined to be pathogenic (PMID: 26799313). This suggests that this is a clinically significant region of the protein, and that variants that disrupt it are likely to be disease-causing. Variants that disrupt the consensus splice site are a relatively common cause of aberrant splicing (PMID: 17576681, 9536098). Algorithms developed to predict the effect of sequence changes on RNA splicing suggest that this variant may disrupt the consensus splice site. ClinVar contains an entry for this variant (Variation ID: 2035239). This variant has not been reported in the literature in individuals affected with ATP7B-related conditions. This variant is not present in population databases (gnomAD no frequency). This sequence change affects a donor splice site in intron 20 of the ATP7B gene. While this variant is not anticipated to result in nonsense mediated decay, it likely alters RNA splicing and results in a disrupted protein product.

Literature cited by the submitters: PubMed 26799313 (cited by Labcorp Genetics (formerly Invitae), Labcorp); PubMed 17576681 (cited by Labcorp Genetics (formerly Invitae), Labcorp); PubMed 9536098 (cited by Labcorp Genetics (formerly Invitae), Labcorp).

NM_000053.4(ATP7B):c.4124+1G>A

Gene: ATP7B (ATPase copper transporting beta; minus strand). Cytogenetic location: 13q14.3.
Variant type: single nucleotide variant.
Coding change: c.4124+1G>A on transcript NM_000053.4 (MANE Select); the canonical splice donor site of the intron after coding-DNA position 4124, G replaced by A.
Molecular consequence: splice donor variant.
Genome position (GRCh38, 1-based): chr13:51,935,592, C>T on the plus strand (G>A on the coding strand, the complement: ATP7B is on the minus strand). VCF-style: chr13-51935592-C-T. GRCh37 (hg19) VCF-style: chr13-52509728-C-T.
Other names: c.3638+1G>A (NM_001406541.1, NM_001406542.1); c.3872+1G>A (NM_001406531.1, NM_001406532.1, NM_001330579.2); c.3890+1G>A (NM_001406527.1, NM_001406528.1, NM_001330578.2); c.3785+1G>A (NM_001406537.1); c.3980+1G>A (NM_001406521.1, NM_001406522.1, NM_001406520.1); c.4118+1G>A (NM_001406513.1); c.4124+1G>A (NM_001406511.1, NM_001406512.1); c.3632+1G>A (NM_001406543.1); and 21 more.
Identifiers: ClinVar variation 2035239 (VCV002035239.5), dbSNP rs1956910096, ClinGen allele CA388019924.